The following is an entry in ClinVar:

GRCh38/hg38 1q41(chr1:215206760-222004068)x1

Genes: BPNT1 (3'(2'), 5'-bisphosphate nucleotidase 1; minus strand), C1orf115 (chromosome 1 open reading frame 115; plus strand), DUSP10 (dual specificity phosphatase 10; minus strand), EPRS1 (glutamyl-prolyl-tRNA synthetase 1; minus strand), ESRRG (estrogen related receptor gamma; minus strand) and 135 more. Cytogenetic location: 1q41.
Variant type: copy number loss.
Change: copy number 1 (one copy instead of two) of chr1:215,206,760-222,004,068 (6.80 Mb, GRCh38 coordinates, 1-based), cytogenetic band 1q41.
Identifiers: ClinVar variation 161040 (VCV000161040.1).

ClinVar aggregate classification (germline): Pathogenic (1 of 4 stars; one submission).

Submission:

ISCA site 4
Classification: Pathogenic. Last evaluated: 2011-08-12. Review status: criteria provided, single submitter. Criteria: Kaminsky et al. (Genet Med. 2011). Collection method: clinical testing. Allele origin: unknown. Affected: yes. Observed: 1 variant allele.
Comment: Copy number variation identified through the course of routine clinical cytogenomic testing in postnatal populations. Clinical assertions have been curated as described in Kaminsky et al. 2011.